The following is an entry in ClinVar:

NM_001369.3(DNAH5):c.4201C>T (p.Gln1401Ter)

Genes: DNAH5 (dynein axonemal heavy chain 5; minus strand), DNAH5-AS1 (DNAH5 antisense RNA 1; plus strand). Cytogenetic location: 5p15.2.
Variant type: single nucleotide variant.
Coding change: c.4201C>T on transcript NM_001369.3 (MANE Select); coding-DNA position 4201, C replaced by T.
Protein change: p.Gln1401Ter; replaces glutamine 1401 with a stop codon.
Molecular consequence: nonsense.
Genome position (GRCh38, 1-based): chr5:13,865,822, G>A on the plus strand (C>T on the coding strand, the complement: DNAH5 is on the minus strand). VCF-style: chr5-13865822-G-A. GRCh37 (hg19) VCF-style: chr5-13865931-G-A.
Other names: short protein forms Q1401*.
Identifiers: ClinVar variation 1069152 (VCV001069152.9), dbSNP rs1341570153, ClinGen allele CA359225329.

ClinVar aggregate classification (germline): Pathogenic. Review status: criteria provided, multiple submitters, no conflicts (2 of 4 stars). 2 submissions from 2 submitters: Pathogenic (2). Last evaluated 2024-05-08.

Conditions:
Primary ciliary dyskinesia. Also called: Ciliary dyskinesia. Identifiers: Orphanet 244, MedGen C0008780, MONDO:0016575, HP:0012265.
Primary ciliary dyskinesia 3. Identifiers: Orphanet 244, MedGen C1837618, MONDO:0012085, OMIM 608644.

Allele frequency attached by ClinVar (database versions not stated): gnomAD exomes below 0.00001.
gnomAD v4.1: 1 of 1,613,762 alleles (0.000062%); no homozygotes.

Submissions (2):

Myriad Genetics, Inc.
Classification: Pathogenic for Primary ciliary dyskinesia 3. Last evaluated: 2024-05-08. Review status: criteria provided, single submitter. Criteria: Myriad Autosomal Dominant, Autosomal Recessive and X-Linked Classification Criteria (2023). Collection method: clinical testing. Allele origin: unknown.
Comment: NM_001369.2(DNAH5):c.4201C>T(Q1401*) is expected to be pathogenic in the context of primary ciliary dyskinesia, DNAH5-related. This variant is predicted to lead to an abnormal or absent protein product due to the creation of a premature termination codon in DNAH5, a gene where loss-of-function variants are known to be pathogenic. Please note: this variant was assessed in the context of healthy population screening.

Labcorp Genetics (formerly Invitae), Labcorp
Classification: Pathogenic for Primary ciliary dyskinesia. Last evaluated: 2020-10-07. Review status: criteria provided, single submitter. Criteria: Invitae Variant Classification Sherloc (09022015). Collection method: clinical testing. Allele origin: germline.
Comment: For these reasons, this variant has been classified as Pathogenic. Loss-of-function variants in DNAH5 are known to be pathogenic (PMID: 11788826, 16627867). This variant has not been reported in the literature in individuals with DNAH5-related conditions. This variant is not present in population databases (ExAC no frequency). This sequence change creates a premature translational stop signal (p.Gln1401*) in the DNAH5 gene. It is expected to result in an absent or disrupted protein product.

Literature cited by the submitters: PubMed 11788826 (cited by Labcorp Genetics (formerly Invitae), Labcorp); PubMed 16627867 (cited by Labcorp Genetics (formerly Invitae), Labcorp).